The following is an entry in ClinVar:

NM_000797.4(DRD4):c.684C>T (p.Ala228=)

Gene: DRD4 (dopamine receptor D4; plus strand). Cytogenetic location: 11p15.5.
Variant type: single nucleotide variant.
Coding change: c.684C>T on transcript NM_000797.4 (MANE Select); coding-DNA position 684, C replaced by T.
Protein change: p.Ala228=; no amino-acid change (alanine 228 retained).
Molecular consequence: synonymous variant.
Genome position (GRCh38, 1-based): chr11:639,933, C>T. VCF-style: chr11-639933-C-T. GRCh37 (hg19) VCF-style: chr11-639933-C-T.
Identifiers: ClinVar variation 3049746 (VCV003049746.2), dbSNP rs753123706, ClinGen allele CA5785793.

ClinVar aggregate classification (germline): Likely benign (0 of 4 stars; one submission).

Conditions:
DRD4-related disorder. Also called: DRD4-related condition.

Allele frequency attached by ClinVar (database versions not stated): gnomAD 0.00019; ExAC 0.00023; TOPMed 0.00029; 1000 Genomes Project 30x 0.00047.
gnomAD v4.1: 179 of 1,533,006 alleles (0.012%); highest among the groups gnomAD compares: East Asian, 0.14%; 3 homozygotes.

Submission:

PreventionGenetics, part of Exact Sciences
Classification: Likely benign for DRD4-related condition. Last evaluated: 2019-07-11. Review status: no assertion criteria provided. Collection method: clinical testing. Allele origin: germline.
Comment: This variant is classified as likely benign based on ACMG/AMP sequence variant interpretation guidelines (Richards et al. 2015 PMID: 25741868, with internal and published modifications).